The following is an entry in ClinVar:

ClinVar aggregate classification (germline): Conflicting classifications of pathogenicity. Review status: criteria provided, conflicting classifications (1 of 4 stars). 11 submissions from 7 submitters: Uncertain significance (7); Benign (1); Likely benign (3). Last evaluated 2025-07-12.

Conditions:
Myopathy, myofibrillar, 9, with early respiratory failure (MFM9). Also called: Myopathy, distal, with early respiratory failure, autosomal dominant; Hereditary myopathy with early respiratory failure; EDSTROM MYOPATHY; MYOPATHY, PROXIMAL, WITH EARLY RESPIRATORY MUSCLE INVOLVEMENT. Identifiers: Orphanet 178464, Orphanet 34521, MedGen C1863599, MONDO:0011362, OMIM 603689.
TTN-related disorder. Also called: TTN-related condition; TTN-related disease; TTN-related disorders.
Autosomal recessive limb-girdle muscular dystrophy type 2J (LGMDR10). Also called: MUSCULAR DYSTROPHY, LIMB-GIRDLE, AUTOSOMAL RECESSIVE 10; Limb-girdle muscular dystrophy, type 2J. Identifiers: Orphanet 140922, MedGen C1837342, MONDO:0012127, OMIM 608807.
Early-onset myopathy with fatal cardiomyopathy (CMYO5). Also called: CONGENITAL MYOPATHY 5 WITH CARDIOMYOPATHY; Salih Myopathy. Identifiers: Orphanet 289377, MedGen C2673677, MONDO:0012714, OMIM 611705. Disease mechanism: loss of function.
Tibial muscular dystrophy (TMD). Also called: UDD MYOPATHY; Udd Distal Myopathy – Tibial Muscular Dystrophy; Tibial muscular dystrophy, tardive. Identifiers: Orphanet 609, MedGen C1838244, MONDO:0010870, OMIM 600334.
Cardiomyopathy (CMYO). Also called: Cardiomyopathies. Identifiers: Orphanet 167848, MedGen C0878544, MONDO:0004994, HP:0001638. Inheritance: Various modes of inheritance.
Dilated cardiomyopathy 1G (CMD1G). Identifiers: Orphanet 154, MedGen C1858763, MONDO:0011400, OMIM 604145.

Allele frequency attached by ClinVar (database versions not stated): gnomAD exomes 0.00008; gnomAD 0.00009; TOPMed 0.00012; ExAC 0.00013; ESP Exome Variant Server 0.00017.
gnomAD v4.1: 331 of 1,596,418 alleles (0.021%); highest among the groups gnomAD compares: Non-Finnish European, 0.026%; no homozygotes.

Submissions (11):

PreventionGenetics, part of Exact Sciences
Classification: Likely benign for TTN-related condition. Last evaluated: 2025-07-12. Review status: criteria provided, single submitter. Criteria: ACMG Guidelines, 2015. Collection method: clinical testing. Allele origin: germline.
Comment: This variant is classified as likely benign based on ACMG/AMP sequence variant interpretation guidelines (Richards et al. 2015 PMID: 25741868, with internal and published modifications).

Blueprint Genetics
Classification: Likely benign. Last evaluated: 2024-05-28. Review status: criteria provided, single submitter. Criteria: ACMG Guidelines, 2015. Collection method: clinical testing. Allele origin: germline.

Mayo Clinic Laboratories, Mayo Clinic
Classification: Uncertain significance. Last evaluated: 2023-06-14. Review status: criteria provided, single submitter. Criteria: ACMG Guidelines, 2015. Collection method: clinical testing. Allele origin: germline. Observed: 1 variant allele.

Revvity Omics, Revvity
Classification: Uncertain significance. Last evaluated: 2022-03-29. Review status: criteria provided, single submitter. Criteria: ACMG Guidelines, 2015. Collection method: clinical testing. Allele origin: germline.

CHEO Genetics Diagnostic Laboratory, Children's Hospital of Eastern Ontario
Classification: Uncertain significance for Cardiomyopathy. Last evaluated: 2021-09-24. Review status: criteria provided, single submitter. Criteria: ACMG Guidelines, 2015. Collection method: clinical testing. Allele origin: germline.

GeneDx
Classification: Uncertain significance. Last evaluated: 2018-11-01. Review status: criteria provided, single submitter. Criteria: GeneDx Variant Classification Process June 2021. Collection method: clinical testing. Allele origin: germline. Affected: yes.
Comment: Has not been previously published as pathogenic or benign to our knowledge; At the protein level, in silico analysis, which includes protein predictors and evolutionary conservation, supports a deleterious effect; At the mRNA level, in silico analysis, which includes splice predictors and evolutionary conservation, suggests this missense variant may impact gene splicing by creating a cryptic splice donor site upstream from the canonical splice donor side. However, in the absence of RNA/functional studies, the actual effect of this sequence change is unknown.

Illumina Laboratory Services, Illumina
Classification: Uncertain significance for Dilated cardiomyopathy 1G. Last evaluated: 2018-01-13. Review status: criteria provided, single submitter. Criteria: ICSL Variant Classification Criteria 13 December 2019. Collection method: clinical testing. Allele origin: germline.

Illumina Laboratory Services, Illumina
Classification: Likely benign for Myopathy, myofibrillar, 9, with early respiratory failure. Last evaluated: 2018-01-13. Review status: criteria provided, single submitter. Criteria: ICSL Variant Classification Criteria 13 December 2019. Collection method: clinical testing. Allele origin: germline.
Comment: This variant was observed in the ICSL laboratory as part of a predisposition screen in an ostensibly healthy population. It had not been previously curated by ICSL or reported in the Human Gene Mutation Database (HGMD: prior to June 1st, 2018), and was therefore a candidate for classification through an automated scoring system. Utilizing variant allele frequency, disease prevalence and penetrance estimates, and inheritance mode, an automated score was calculated to assess if this variant is too frequent to cause the disease. Based on the score and internal cut-off values, a variant classified as likely benign is not then subjected to further curation. The score for this variant resulted in a classification of likely benign for this disease.

Illumina Laboratory Services, Illumina
Classification: Uncertain significance for Autosomal recessive limb-girdle muscular dystrophy type 2J. Last evaluated: 2018-01-13. Review status: criteria provided, single submitter. Criteria: ICSL Variant Classification Criteria 13 December 2019. Collection method: clinical testing. Allele origin: germline.

Illumina Laboratory Services, Illumina
Classification: Uncertain significance for Early-onset myopathy with fatal cardiomyopathy. Last evaluated: 2018-01-13. Review status: criteria provided, single submitter. Criteria: ICSL Variant Classification Criteria 13 December 2019. Collection method: clinical testing. Allele origin: germline.

Illumina Laboratory Services, Illumina
Classification: Benign for Tibial muscular dystrophy. Last evaluated: 2018-01-13. Review status: criteria provided, single submitter. Criteria: ICSL Variant Classification Criteria 13 December 2019. Collection method: clinical testing. Allele origin: germline.
Comment: This variant was observed in the ICSL laboratory as part of a predisposition screen in an ostensibly healthy population. It had not been previously curated by ICSL or reported in the Human Gene Mutation Database (HGMD: prior to June 1st, 2018), and was therefore a candidate for classification through an automated scoring system. Utilizing variant allele frequency, disease prevalence and penetrance estimates, and inheritance mode, an automated score was calculated to assess if this variant is too frequent to cause the disease. Based on the score and internal cut-off values, a variant classified as benign is not then subjected to further curation. The score for this variant resulted in a classification of benign for this disease.

NM_001267550.2(TTN):c.33881C>G (p.Pro11294Arg)

Gene: TTN (titin; minus strand). Cytogenetic location: 2q31.2.
Variant type: single nucleotide variant.
Coding change: c.33881C>G on transcript NM_001267550.2 (MANE Select); coding-DNA position 33881, C replaced by G.
Protein change: p.Pro11294Arg; replaces proline 11294 with arginine.
Molecular consequence: missense variant. On other transcripts: intron variant (3).
Genome position (GRCh38, 1-based): chr2:178,678,443, G>C on the plus strand (C>G on the coding strand, the complement: TTN is on the minus strand). VCF-style: chr2-178678443-G-C. GRCh37 (hg19) VCF-style: chr2-179543170-G-C.
Other names: p.Pro10050Arg; c.32930C>G, p.Pro10977Arg (NM_001256850.1); c.30149C>G, p.Pro10050Arg (NM_133378.4); c.13283-36126C>G (NM_003319.4); c.13859-36126C>G (NM_133437.4); c.13658-36126C>G (NM_133432.3); short protein forms P10050R, P10977R, P11294R.
Identifiers: ClinVar variation 892924 (VCV000892924.13), dbSNP rs372841136, ClinGen allele CA1998201.